The following is an entry in ClinVar:

ClinVar aggregate classification (germline): Uncertain significance (1 of 4 stars; one submission).

Allele frequency attached by ClinVar (database versions not stated): gnomAD exomes below 0.00001; TOPMed below 0.00001.
gnomAD v4.1: 1 of 1,613,740 alleles (0.000062%); highest among the groups gnomAD compares: Non-Finnish European, 0.000085%; no homozygotes.

Submission:

Labcorp Genetics (formerly Invitae), Labcorp
Classification: Uncertain significance. Last evaluated: 2021-05-14. Review status: criteria provided, single submitter. Criteria: Invitae Variant Classification Sherloc (09022015). Collection method: clinical testing. Allele origin: germline.
Comment: In summary, the available evidence is currently insufficient to determine the role of this variant in disease. Therefore, it has been classified as a Variant of Uncertain Significance. This sequence change replaces tyrosine with cysteine at codon 1977 of the RTTN protein (p.Tyr1977Cys). The tyrosine residue is highly conserved and there is a large physicochemical difference between tyrosine and cysteine. This variant is not present in population databases (ExAC no frequency). This variant has not been reported in the literature in individuals with RTTN-related conditions. Algorithms developed to predict the effect of missense changes on protein structure and function (SIFT, PolyPhen-2, Align-GVGD) all suggest that this variant is likely to be disruptive, but these predictions have not been confirmed by published functional studies and their clinical significance is uncertain.

NM_173630.4(RTTN):c.5930A>G (p.Tyr1977Cys)

Gene: RTTN (rotatin; minus strand). Cytogenetic location: 18q22.2.
Variant type: single nucleotide variant.
Coding change: c.5930A>G on transcript NM_173630.4 (MANE Select); coding-DNA position 5930, A replaced by G.
Protein change: p.Tyr1977Cys; replaces tyrosine 1977 with cysteine.
Molecular consequence: missense variant.
Genome position (GRCh38, 1-based): chr18:70,024,742, T>C on the plus strand (A>G on the coding strand, the complement: RTTN is on the minus strand). VCF-style: chr18-70024742-T-C. GRCh37 (hg19) VCF-style: chr18-67691978-T-C.
Other names: c.3194A>G, p.Tyr1065Cys (NM_001318520.2); short protein forms Y1065C, Y1977C.
Identifiers: ClinVar variation 1382448 (VCV001382448.8), dbSNP rs2056805055, ClinGen allele CA402685011.